The following is an entry in ClinVar:

ClinVar aggregate classification (germline): Uncertain significance. Review status: criteria provided, multiple submitters, no conflicts (2 of 4 stars). 2 submissions from 2 submitters: Uncertain significance (2). Last evaluated 2024-04-12.

Conditions:
Developmental and epileptic encephalopathy, 1 (DEE1). Also called: Epileptic encephalopathy, early infantile, 1; X-linked infantile spasms; West's syndrome; Tonic spasms with clustering, arrest of psychomotor development and hypsarrhythmia on EEG; X-Linked Infantile Spasm Syndrome; OHTAHARA SYNDROME, X-LINKED. Identifiers: MedGen C3463992, MONDO:0010632, OMIM 308350. Disease mechanism: loss of function.
Autosomal dominant nonsyndromic hearing loss 65. Also called: TBC1D24-Related Autosomal Dominant Nonsyndromic Hearing Loss (DFNA); Deafness, autosomal dominant 65. Identifiers: Orphanet 90635, MedGen C3892048, MONDO:0014470, OMIM 616044.
Familial infantile myoclonic epilepsy (FIME). Also called: Epilepsy, Myoclonic, Infantile; TBC1D24-Related Familial Infantile Myoclonic Epilepsy (FIME). Identifiers: Orphanet 352582, MedGen C0917800, MONDO:0011506, OMIM 605021.

Allele frequency attached by ClinVar (database versions not stated): TOPMed below 0.00001.
gnomAD v4.1: 8 of 1,606,838 alleles (0.0005%); highest among the groups gnomAD compares: South Asian, 0.0022%; no homozygotes.

Submissions (2):

Labcorp Genetics (formerly Invitae), Labcorp
Classification: Uncertain significance for Developmental and epileptic encephalopathy, 1; Autosomal dominant nonsyndromic hearing loss 65. Last evaluated: 2024-04-12. Review status: criteria provided, single submitter. Criteria: Invitae Variant Classification Sherloc (09022015). Collection method: clinical testing. Allele origin: germline.
Comment: This sequence change replaces glycine, which is neutral and non-polar, with arginine, which is basic and polar, at codon 376 of the TBC1D24 protein (p.Gly376Arg). This variant is not present in population databases (gnomAD no frequency). This missense change has been observed in individual(s) with clinical features of TBC1D24-related conditions (PMID: 27281533). ClinVar contains an entry for this variant (Variation ID: 318617). Advanced modeling of protein sequence and biophysical properties (such as structural, functional, and spatial information, amino acid conservation, physicochemical variation, residue mobility, and thermodynamic stability) performed at Invitae indicates that this missense variant is expected to disrupt TBC1D24 protein function with a positive predictive value of 80%. Algorithms developed to predict the effect of sequence changes on RNA splicing suggest that this variant may disrupt the consensus splice site. In summary, the available evidence is currently insufficient to determine the role of this variant in disease. Therefore, it has been classified as a Variant of Uncertain Significance.

Illumina Laboratory Services, Illumina
Classification: Uncertain significance for Familial infantile myoclonic epilepsy. Last evaluated: 2018-01-13. Review status: criteria provided, single submitter. Criteria: ICSL Variant Classification Criteria 13 December 2019. Collection method: clinical testing. Allele origin: germline.

Literature cited by the submitters: PubMed 27281533 (cited by Labcorp Genetics (formerly Invitae), Labcorp).

NM_001199107.2(TBC1D24):c.1126G>A (p.Gly376Arg)

Gene: TBC1D24 (TBC1 domain family member 24; plus strand). Cytogenetic location: 16p13.3.
Variant type: single nucleotide variant.
Coding change: c.1126G>A on transcript NM_001199107.2 (MANE Select); coding-DNA position 1126, G replaced by A.
Protein change: p.Gly376Arg; replaces glycine 376 with arginine.
Molecular consequence: missense variant.
Genome position (GRCh38, 1-based): chr16:2,498,380, G>A. VCF-style: chr16-2498380-G-A. GRCh37 (hg19) VCF-style: chr16-2548381-G-A.
Other names: c.1108G>A, p.Gly370Arg (NM_020705.3); short protein forms G376R, G370R.
Identifiers: ClinVar variation 318617 (VCV000318617.7), dbSNP rs796053408, ClinGen allele CA10648176.